The following is an entry in ClinVar:

NM_000252.3(MTM1):c.402dup (p.Glu135Ter)

Gene: MTM1 (myotubularin 1; plus strand). Cytogenetic location: Xq28.
Variant type: Duplication.
Coding change: c.402dup on transcript NM_000252.3 (MANE Select); coding-DNA position 402, one base duplicated (T; older notation c.402dupT).
Protein change: p.Glu135Ter; replaces glutamic acid 135 with a stop codon.
Molecular consequence: nonsense.
Genome position (GRCh38, 1-based): chrX:150,619,097, T duplicated; the last of 3 consecutive T bases (chrX:150,619,095-150,619,097); duplicating any one gives the same sequence. VCF-style (leftmost placement, unchanged base first): chrX-150619094-G-GT. GRCh37 (hg19) VCF-style: chrX-149787567-G-GT.
Other names: c.402dup, p.Glu135Ter (NM_001376906.1, NM_001376908.1); c.291dup, p.Glu98Ter (NM_001376907.1); short protein forms E135*, E98*.
Identifiers: ClinVar variation 3359294 (VCV003359294.1).

ClinVar aggregate classification (germline): Pathogenic (1 of 4 stars; one submission).

Submission:

GeneDx
Classification: Pathogenic. Last evaluated: 2023-05-28. Review status: criteria provided, single submitter. Criteria: GeneDx Variant Classification Process June 2021. Collection method: clinical testing. Allele origin: germline. Affected: yes.
Comment: Nonsense variant predicted to result in protein truncation or nonsense mediated decay in a gene for which loss of function is a known mechanism of disease; Has not been previously published as pathogenic or benign to our knowledge; Not observed at significant frequency in large population cohorts (gnomAD)